The following is an entry in ClinVar:

ClinVar aggregate classification (germline): Likely benign (1 of 4 stars; one submission).

Conditions:
Alpha thalassemia-X-linked intellectual disability syndrome (ATRX). Also called: ALPHA-THALASSEMIA/MENTAL RETARDATION SYNDROME, X-LINKED; ATR, NONDELETION TYPE; ATR-X syndrome; Alpha thalassemia mental retardation syndrome, nondeletion type, X-linked; XLMR hypotonic face syndrome; X-linked alpha-thalassemia-mental retardation syndrome. Identifiers: Orphanet 847, MedGen C1845055, MONDO:0010519, OMIM 301040.

gnomAD v4.1: 7 of 1,210,742 alleles (0.00058%); highest among the groups gnomAD compares: Non-Finnish European, 0.00078%; no homozygotes.

Submission:

Victorian Clinical Genetics Services, Murdoch Childrens Research Institute
Classification: Likely benign for Alpha thalassemia-X-linked intellectual disability syndrome. Last evaluated: 2020-05-26. Review status: criteria provided, single submitter. Criteria: ACMG Guidelines, 2015. Collection method: clinical testing. Allele origin: germline. Inheritance: X-linked inheritance.
Comment: Based on the classification scheme VCGS_Germline_v1.1.1, this variant is classified as likely benign. Following criteria are met: 0102 - Loss-of-function is a known mechanism of disease for this gene. (N) 0108 - This gene is known to be associated with both recessive and dominant disease. Dominant disease depends on the degree of X-inactivation in carrier females (OMIM). (N) 0200 - Variant is predicted to result in a missense amino acid change from glutamic acid to aspartic acid (exon 9). (N) 0253 - Variant is hemizygous. (N) 0302 - Variant is present in gnomAD <0.001 for a dominant condition (2 hemizygous, 0 heterozygotes or homozygotes). (P) 0503 - Missense variant consistently predicted to be tolerated or not conserved in mammals with a minor amino acid change. (B) 0504 - Same amino acid change has been observed in mammals. (B) 0604 - Variant is not located in an established domain, motif, hotspot or informative constraint region. (N) 0705 - No comparable variants have previous evidence for pathogenicity. (N) 0806 - Moderate previous evidence of neutrality in a single individual (ClinVar). (B) 0905 - No segregation evidence has been identified for this variant. (N) 1007 - No published functional evidence has been identified for this variant. (N) 1208 - Inheritance information for this variant is not currently available. (N) Legend: (P) - Pathogenic, (N) - Neutral, (B) - Benign

NM_000489.6(ATRX):c.1446A>T (p.Glu482Asp)

Gene: ATRX (ATRX chromatin remodeler; minus strand). Cytogenetic location: Xq21.1.
Variant type: single nucleotide variant.
Coding change: c.1446A>T on transcript NM_000489.6 (MANE Select); coding-DNA position 1446, A replaced by T.
Protein change: p.Glu482Asp; replaces glutamic acid 482 with aspartic acid.
Molecular consequence: missense variant.
Genome position (GRCh38, 1-based): chrX:77,683,810, T>A on the plus strand (A>T on the coding strand, the complement: ATRX is on the minus strand). VCF-style: chrX-77683810-T-A. GRCh37 (hg19) VCF-style: chrX-76939302-T-A.
Other names: c.1332A>T, p.Glu444Asp (NM_138270.5); short protein forms E444D, E482D.
Identifiers: ClinVar variation 3377458 (VCV003377458.1).